The following is an entry in ClinVar:

ClinVar aggregate classification (germline): Uncertain significance. Review status: criteria provided, multiple submitters, no conflicts (2 of 4 stars). 2 submissions from 2 submitters: Uncertain significance (2). Last evaluated 2025-08-29.

Submissions (2):

GeneDx
Classification: Uncertain significance. Last evaluated: 2025-08-29. Review status: criteria provided, single submitter. Criteria: GeneDx Variant Classification Process June 2021. Collection method: clinical testing. Allele origin: germline. Affected: yes.
Comment: Not observed at significant frequency in large population cohorts (gnomAD); In silico analysis suggests that this missense variant does not alter protein structure/function; Has not been previously published as pathogenic or benign to our knowledge

Labcorp Genetics (formerly Invitae), Labcorp
Classification: Uncertain significance. Last evaluated: 2024-08-13. Review status: criteria provided, single submitter. Criteria: Invitae Variant Classification Sherloc (09022015). Collection method: clinical testing. Allele origin: germline.
Comment: This sequence change replaces glycine, which is neutral and non-polar, with valine, which is neutral and non-polar, at codon 14 of the PACS2 protein (p.Gly14Val). This variant is not present in population databases (gnomAD no frequency). This variant has not been reported in the literature in individuals affected with PACS2-related conditions. An algorithm developed to predict the effect of missense changes on protein structure and function (PolyPhen-2) suggests that this variant¬†is likely to be tolerated. In summary, the available evidence is currently insufficient to determine the role of this variant in disease. Therefore, it has been classified as a Variant of Uncertain Significance.

NM_001100913.3(PACS2):c.41G>T (p.Gly14Val)

Genes: BRF1 (BRF1 general transcription factor IIIB subunit; minus strand), PACS2 (phosphofurin acidic cluster sorting protein 2; plus strand). Cytogenetic location: 14q32.33.
Variant type: single nucleotide variant.
Coding change: c.41G>T on transcript NM_001100913.3 (MANE Select); coding-DNA position 41, G replaced by T.
Protein change: p.Gly14Val; replaces glycine 14 with valine.
Molecular consequence: missense variant. On other transcripts: intron variant (4).
Genome position (GRCh38, 1-based): chr14:105,314,959, G>T. VCF-style: chr14-105314959-G-T. GRCh37 (hg19) VCF-style: chr14-105781296-G-T.
Other names: c.41G>T, p.Gly14Val (NM_015197.4); c.-162+363C>A (NM_001440451.1, NM_001242787.2, NM_001242786.2); c.-83+13980G>T (NM_001243127.3); short protein forms G14V.
Identifiers: ClinVar variation 3640081 (VCV003640081.2).